The following is an entry in ClinVar:

ClinVar aggregate classification (germline): Uncertain significance. Review status: criteria provided, single submitter (1 of 4 stars). 2 submissions from 2 submitters: Uncertain significance (1). 1 of the submissions does not count toward it. Last evaluated 2017-04-04.

Conditions:
Mitochondrial neurogastrointestinal encephalomyopathy. Also called: Mitochondrial neurogastrointestinal encephalopathy syndrome; MNGIE syndrome; Thymidine phosphorylase deficiency. Identifiers: Orphanet 298, MedGen C0872218, MONDO:0017575.

Allele frequency attached by ClinVar (database versions not stated): gnomAD 0.00001; TOPMed 0.00001.
gnomAD v4.1: 2 of 1,537,616 alleles (0.00013%); highest among the groups gnomAD compares: African/African-American, 0.0014%; no homozygotes.

Submissions (2):

GeneDx
Classification: Uncertain significance. Last evaluated: 2017-04-04. Review status: criteria provided, single submitter. Criteria: GeneDx Variant Classification (06012015). Collection method: clinical testing. Allele origin: germline. Affected: yes.
Comment: The E344Q variant in the TYMP gene has not been reported previously as a pathogenic variant, nor as a benign variant, to our knowledge. The E344Q variant is not observed in large population cohorts (Lek et al., 2016; 1000 Genomes Consortium et al., 2015; Exome Variant Server). The E344Q variant is a semi-conservative amino acid substitution, which may impact secondary protein structure as these residues differ in some properties. This substitution occurs at a position that is not conserved. In silico analysis is inconsistent in its predictions as to whether or not the variant is damaging to the protein structure/function. We interpret E344Q as a variant of uncertain significance.

Natera, Inc.
Classification: Uncertain significance for Mitochondrial neurogastrointestinal encephalomyopathy. Last evaluated: 2020-09-16. Review status: no assertion criteria provided. Collection method: clinical testing. Allele origin: germline. Not counted in ClinVar's aggregate classification.

NM_001953.5(TYMP):c.1030G>C (p.Glu344Gln)

Genes: SCO2 (synthesis of cytochrome C oxidase 2; minus strand), TYMP (thymidine phosphorylase; minus strand), LOC130067862 (ATAC-STARR-seq lymphoblastoid silent region 13986; plus strand). Cytogenetic location: 22q13.33.
Variant type: single nucleotide variant.
Coding change: c.1030G>C on transcript NM_001953.5 (MANE Select); coding-DNA position 1030, G replaced by C.
Protein change: p.Glu344Gln; replaces glutamic acid 344 with glutamine.
Molecular consequence: missense variant. On other transcripts: 5 prime UTR variant (1).
Genome position (GRCh38, 1-based): chr22:50,526,375, C>G on the plus strand (G>C on the coding strand, the complement: TYMP is on the minus strand). VCF-style: chr22-50526375-C-G. GRCh37 (hg19) VCF-style: chr22-50964804-C-G.
Other names: c.1030G>C, p.Glu344Gln (NM_001113755.3, NM_001113756.3, NM_001257988.1 and 1 more transcripts); c.-143G>C (NM_001169109.2); short protein forms E344Q.
Identifiers: ClinVar variation 426794 (VCV000426794.5), dbSNP rs1085307802, ClinGen allele CA412197870.